The following is an entry in ClinVar:

NM_000065.5(C6):c.867A>G (p.Arg289=)

Gene: C6 (complement C6; minus strand). Cytogenetic location: 5p13.1.
Variant type: single nucleotide variant.
Coding change: c.867A>G on transcript NM_000065.5 (MANE Select); coding-DNA position 867, A replaced by G.
Protein change: p.Arg289=; no amino-acid change (arginine 289 retained).
Molecular consequence: synonymous variant.
Genome position (GRCh38, 1-based): chr5:41,181,419, T>C on the plus strand (A>G on the coding strand, the complement: C6 is on the minus strand). VCF-style: chr5-41181419-T-C. GRCh37 (hg19) VCF-style: chr5-41181521-T-C.
Other names: c.867A>G, p.Arg289= (NM_001115131.4).
Identifiers: ClinVar variation 3053599 (VCV003053599.2), dbSNP rs1457405276, ClinGen allele CA443971382.

ClinVar aggregate classification (germline): Likely benign (0 of 4 stars; one submission).

Conditions:
C6-related disorder. Also called: C6-related condition.

Allele frequency attached by ClinVar (database versions not stated): gnomAD 0.00001.
gnomAD v4.1: 6 of 1,613,718 alleles (0.00037%); highest among the groups gnomAD compares: Admixed American, 0.0033%; no homozygotes.

Submission:

PreventionGenetics, part of Exact Sciences
Classification: Likely benign for C6-related condition. Last evaluated: 2019-08-14. Review status: no assertion criteria provided. Collection method: clinical testing. Allele origin: germline.
Comment: This variant is classified as likely benign based on ACMG/AMP sequence variant interpretation guidelines (Richards et al. 2015 PMID: 25741868, with internal and published modifications).